The following is an entry in ClinVar:

ClinVar aggregate classification (germline): Uncertain significance (1 of 4 stars; one submission).

Allele frequency attached by ClinVar (database versions not stated): ExAC 0.00003.
gnomAD v4.1: 4 of 1,539,572 alleles (0.00026%); highest among the groups gnomAD compares: South Asian, 0.0012%; no homozygotes.

Submission:

Labcorp Genetics (formerly Invitae), Labcorp
Classification: Uncertain significance. Last evaluated: 2022-05-18. Review status: criteria provided, single submitter. Criteria: Invitae Variant Classification Sherloc (09022015). Collection method: clinical testing. Allele origin: germline.
Comment: This sequence change falls in intron 1 of the KDM1A gene. It does not directly change the encoded amino acid sequence of the KDM1A protein. It affects a nucleotide within the consensus splice site. The frequency data for this variant in the population databases is considered unreliable, as metrics indicate poor data quality at this position in the gnomAD database. This variant has not been reported in the literature in individuals affected with KDM1A-related conditions. Variants that disrupt the consensus splice site are a relatively common cause of aberrant splicing (PMID: 17576681, 9536098). Algorithms developed to predict the effect of sequence changes on RNA splicing suggest that this variant is not likely to affect RNA splicing. In summary, the available evidence is currently insufficient to determine the role of this variant in disease. Therefore, it has been classified as a Variant of Uncertain Significance.

Literature cited by the submitters: PubMed 17576681; PubMed 9536098.

NM_001009999.3(KDM1A):c.351+6G>T

Gene: KDM1A (lysine demethylase 1A; plus strand). Cytogenetic location: 1p36.12.
Variant type: single nucleotide variant.
Coding change: c.351+6G>T on transcript NM_001009999.3 (MANE Select); 6 bases into the intron after coding-DNA position 351, G replaced by T.
Molecular consequence: intron variant.
Genome position (GRCh38, 1-based): chr1:23,019,953, G>T. VCF-style: chr1-23019953-G-T. GRCh37 (hg19) VCF-style: chr1-23346446-G-T.
Other names: c.351+6G>T (NM_001363654.2, NM_015013.4).
Identifiers: ClinVar variation 2055830 (VCV002055830.4), dbSNP rs749657116, ClinGen allele CA679433.
Genomic context (GRCh38, chr1:23,019,953, plus strand): 5'-TGGAATAGCAGAGACTCCGGAGGGGCGTCGGACCAGCCGGCGCAAGCGGGCGAAGGTAAG[G>T]CTCGACCCTTCCCTCAAACGACACCGCCTGGTGCCGAGCTTCCCCGAGGCTTCTCCGCCC-3'